The following is an entry in ClinVar:

ClinVar aggregate classification (germline): Uncertain significance. Review status: criteria provided, multiple submitters, no conflicts (2 of 4 stars). 2 submissions from 2 submitters: Uncertain significance (2). Last evaluated 2024-05-20.

Conditions:
Inborn genetic diseases. Identifiers: MedGen C0950123, MeSH D030342.

Allele frequency attached by ClinVar (database versions not stated): gnomAD exomes below 0.00001; gnomAD 0.00001; TOPMed 0.00001.
gnomAD v4.1: 2 of 1,613,294 alleles (0.00012%); highest among the groups gnomAD compares: Admixed American, 0.0017%; no homozygotes.

Submissions (2):

Ambry Genetics
Classification: Uncertain significance for Inborn genetic diseases. Last evaluated: 2024-05-20. Review status: criteria provided, single submitter. Criteria: Ambry Variant Classification Scheme 2023. Collection method: clinical testing. Allele origin: germline.

Labcorp Genetics (formerly Invitae), Labcorp
Classification: Uncertain significance. Last evaluated: 2023-01-11. Review status: criteria provided, single submitter. Criteria: Invitae Variant Classification Sherloc (09022015). Collection method: clinical testing. Allele origin: germline.
Comment: This sequence change replaces phenylalanine, which is neutral and non-polar, with cysteine, which is neutral and slightly polar, at codon 1026 of the GUCY2C protein (p.Phe1026Cys). This variant is not present in population databases (gnomAD no frequency). This variant has not been reported in the literature in individuals affected with GUCY2C-related conditions. Algorithms developed to predict the effect of missense changes on protein structure and function are either unavailable or do not agree on the potential impact of this missense change (SIFT: "Deleterious"; PolyPhen-2: "Possibly Damaging"; Align-GVGD: "Class C0"). In summary, the available evidence is currently insufficient to determine the role of this variant in disease. Therefore, it has been classified as a Variant of Uncertain Significance.

NM_004963.4(GUCY2C):c.3077T>G (p.Phe1026Cys)

Genes: GUCY2C (guanylate cyclase 2C; minus strand), PLBD1-AS1 (PLBD1 antisense RNA 1; plus strand). Cytogenetic location: 12p12.3.
Variant type: single nucleotide variant.
Coding change: c.3077T>G on transcript NM_004963.4 (MANE Select); coding-DNA position 3077, T replaced by G.
Protein change: p.Phe1026Cys; replaces phenylalanine 1026 with cysteine.
Molecular consequence: missense variant.
Genome position (GRCh38, 1-based): chr12:14,613,262, A>C on the plus strand (T>G on the coding strand, the complement: GUCY2C is on the minus strand). VCF-style: chr12-14613262-A-C. GRCh37 (hg19) VCF-style: chr12-14766196-A-C.
Other names: c.3077T>G (NM_004963.3); short protein forms F1026C.
Identifiers: ClinVar variation 2991256 (VCV002991256.4), dbSNP rs1946688115, ClinGen allele CA383989524.